The following is an entry in ClinVar:

NM_015474.4(SAMHD1):c.208+4G>A

Gene: SAMHD1 (SAM and HD domain containing deoxynucleoside triphosphate triphosphohydrolase 1; minus strand). Cytogenetic location: 20q11.23.
Variant type: single nucleotide variant.
Coding change: c.208+4G>A on transcript NM_015474.4 (MANE Select); 4 bases into the intron after coding-DNA position 208, G replaced by A.
Molecular consequence: intron variant.
Genome position (GRCh38, 1-based): chr20:36,951,432, C>T on the plus strand (G>A on the coding strand, the complement: SAMHD1 is on the minus strand). VCF-style: chr20-36951432-C-T. GRCh37 (hg19) VCF-style: chr20-35579835-C-T.
Other names: c.208+4G>A (NM_001363729.2, NM_001363733.2).
Identifiers: ClinVar variation 1519364 (VCV001519364.5), dbSNP rs1273248542, ClinGen allele CA744045799.
Genomic context (GRCh38, chr20:36,951,432, plus strand): 5'-CAGGGCGCCTGGCCCGCGCCCCAGGTCGCCGCCCTTCGCCCCTCAGCCCCTCCGGAGCCG[C>T]TACCTCGGATGTTCTTCAGCAGCACCGGCTCTTCAAAGCCACCGCGCCTGAGGAAGGAGC-3'

ClinVar aggregate classification (germline): Uncertain significance (1 of 4 stars; one submission).

Conditions:
Aicardi-Goutieres syndrome 5. Identifiers: Orphanet 51, MedGen C2749659, MONDO:0013059, OMIM 612952.

Allele frequency attached by ClinVar (database versions not stated): gnomAD exomes below 0.00001.
gnomAD v4.1: 6 of 1,613,834 alleles (0.00037%); highest among the groups gnomAD compares: Non-Finnish European, 0.00051%; no homozygotes.

Submission:

Labcorp Genetics (formerly Invitae), Labcorp
Classification: Uncertain significance for Aicardi-Goutieres syndrome 5. Last evaluated: 2024-10-22. Review status: criteria provided, single submitter. Criteria: Invitae Variant Classification Sherloc (09022015). Collection method: clinical testing. Allele origin: germline.
Comment: This sequence change falls in intron 1 of the SAMHD1 gene. It does not directly change the encoded amino acid sequence of the SAMHD1 protein. It affects a nucleotide within the consensus splice site. This variant is not present in population databases (gnomAD no frequency). This variant has not been reported in the literature in individuals affected with SAMHD1-related conditions. ClinVar contains an entry for this variant (Variation ID: 1519364). Variants that disrupt the consensus splice site are a relatively common cause of aberrant splicing (PMID: 17576681, 9536098). Algorithms developed to predict the effect of sequence changes on RNA splicing suggest that this variant is not likely to affect RNA splicing. In summary, the available evidence is currently insufficient to determine the role of this variant in disease. Therefore, it has been classified as a Variant of Uncertain Significance.

Literature cited by the submitters: PubMed 17576681; PubMed 9536098.